The following is an entry in ClinVar:

NM_013444.4(UBQLN2):c.1713T>C (p.Asn571=)

Gene: UBQLN2 (ubiquilin 2; plus strand). Cytogenetic location: Xp11.21.
Variant type: single nucleotide variant.
Coding change: c.1713T>C on transcript NM_013444.4 (MANE Select); coding-DNA position 1713, T replaced by C.
Protein change: p.Asn571=; no amino-acid change (asparagine 571 retained).
Molecular consequence: synonymous variant.
Genome position (GRCh38, 1-based): chrX:56,565,586, T>C. VCF-style: chrX-56565586-T-C. GRCh37 (hg19) VCF-style: chrX-56592019-T-C.
Identifiers: ClinVar variation 3613774 (VCV003613774.2).

ClinVar aggregate classification (germline): Uncertain significance (1 of 4 stars; one submission).

Conditions:
Amyotrophic lateral sclerosis type 15. Also called: AMYOTROPHIC LATERAL SCLEROSIS 15 WITH FRONTOTEMPORAL DEMENTIA. Identifiers: Orphanet 803, MedGen C3275459, MONDO:0010459, OMIM 300857.

gnomAD v4.1: 3 of 1,212,018 alleles (0.00025%); highest among the groups gnomAD compares: Non-Finnish European, 0.00033%; no homozygotes.

Submission:

Labcorp Genetics (formerly Invitae), Labcorp
Classification: Uncertain significance for Amyotrophic lateral sclerosis type 15. Last evaluated: 2024-05-09. Review status: criteria provided, single submitter. Criteria: Invitae Variant Classification Sherloc (09022015). Collection method: clinical testing. Allele origin: germline.
Comment: This sequence change affects codon 571 of the UBQLN2 mRNA. It is a 'silent' change, meaning that it does not change the encoded amino acid sequence of the UBQLN2 protein. This variant is not present in population databases (gnomAD no frequency). This variant has not been reported in the literature in individuals affected with UBQLN2-related conditions. In summary, the available evidence is currently insufficient to determine the role of this variant in disease. Therefore, it has been classified as a Variant of Uncertain Significance.